The following is an entry in ClinVar:

NM_001040113.2(MYH11):c.5813C>A (p.Pro1938His)

Genes: NDE1 (nudE neurodevelopment protein 1; plus strand), MYH11 (myosin heavy chain 11; minus strand). Cytogenetic location: 16p13.11.
Variant type: single nucleotide variant.
Coding change: c.5813C>A on transcript NM_001040113.2 (MANE Plus Clinical); coding-DNA position 5813, C replaced by A.
Protein change: p.Pro1938His; replaces proline 1938 with histidine.
Molecular consequence: missense variant. On other transcripts: intron variant (4).
Genome position (GRCh38, 1-based): chr16:15,708,836, G>T on the plus strand (C>A on the coding strand, the complement: MYH11 is on the minus strand). VCF-style: chr16-15708836-G-T. GRCh37 (hg19) VCF-style: chr16-15802693-G-T.
Other names: c.5792C>A, p.Pro1931His (NM_022844.3); c.947+11976G>T (NM_001143979.2, NM_017668.3); c.5787-4713C>A (NM_002474.3); c.5808-4713C>A (NM_001040114.2); short protein forms P1938H, P1931H.
Identifiers: ClinVar variation 503667 (VCV000503667.12), dbSNP rs765030635, ClinGen allele CA278585594.

ClinVar aggregate classification (germline): Uncertain significance. Review status: criteria provided, multiple submitters, no conflicts (2 of 4 stars). 3 submissions from 3 submitters: Uncertain significance (3). Last evaluated 2024-03-06.

Conditions:
Familial thoracic aortic aneurysm and aortic dissection (TAAD). Also called: Thoracic aortic aneurysms and dissections. Identifiers: Orphanet 91387, MedGen C4707243, MONDO:0019625.

Allele frequency attached by ClinVar (database versions not stated): TOPMed 0.00001; gnomAD 0.00006.
gnomAD v4.1: 20 of 1,610,066 alleles (0.0012%); highest among the groups gnomAD compares: African/African-American, 0.008%; no homozygotes.

Submissions (3):

Color Diagnostics, LLC DBA Color Health
Classification: Uncertain significance for Familial thoracic aortic aneurysm and aortic dissection. Last evaluated: 2024-03-06. Review status: criteria provided, single submitter. Criteria: ACMG Guidelines, 2015. Collection method: clinical testing. Allele origin: germline.
Comment: This missense variant replaces proline with histidine at codon 1938 of the MYH11 protein. Computational prediction suggests that this variant may not impact protein structure and function (internally defined REVEL score threshold <= 0.5, PMID: 27666373). To our knowledge, functional studies have not been reported for this variant. This variant has not been reported in individuals affected with MYH11-related disorders in the literature. This variant has been identified in 3/275000 chromosomes in the general population by the Genome Aggregation Database (gnomAD). The available evidence is insufficient to determine the role of this variant in disease conclusively. Therefore, this variant is classified as a Variant of Uncertain Significance.

All of Us Research Program, National Institutes of Health
Classification: Uncertain significance for Familial thoracic aortic aneurysm and aortic dissection. Last evaluated: 2023-11-20. Review status: criteria provided, single submitter. Criteria: ACMG Guidelines, 2015. Collection method: clinical testing. Allele origin: germline. Inheritance: Autosomal dominant inheritance. Observed: 1 variant allele, 1 heterozygote.
Comment: Variant of Uncertain Significance due to insufficient evidence: This missense variant is located in the C-terminal region of the MYH11 protein. Computational prediction tools and conservation analyses are inconclusive regarding the impact of this variant on the protein function. Computational splicing tools suggest that this variant may not impact RNA splicing. To our knowledge, functional assays have not been performed for this variant nor has this variant been reported in individuals affected with cardiovascular disorders in the literature. This variant is rare in the general population and has been identified in 2/269506 chromosomes by the Genome Aggregation Database (gnomAD). Available evidence is insufficient to determine the pathogenicity of this variant conclusively.

This study involves interpretation of variants in research participants for the purpose of population health screening. Participant phenotype was not available at the time of variant classification. Additional details can be found in publication PMID: 35346344, PMCID: PMC8962531

GeneDx
Classification: Uncertain significance. Last evaluated: 2018-02-01. Review status: criteria provided, single submitter. Criteria: GeneDx Variant Classification (06012015). Collection method: clinical testing. Allele origin: germline. Affected: yes.
Comment: The P1931H variant in the MYH11 gene has not been reported previously as a pathogenic variant, nor as a benign variant, to our knowledge. The P1931H variant is not observed at a significant frequency in large population cohorts (Lek et al., 2016). The P1931H variant is a non-conservative amino acid substitution, which is likely to impact secondary protein structure as these residues differ in polarity, charge, size and/or other properties. In-silico analyses, including protein predictors and evolutionary conservation, support that this variant does not alter protein structure/function. We interpret P1931H as a variant of uncertain significance.